The following is an entry in ClinVar:

NM_002497.4(NEK2):c.212A>G (p.Tyr71Cys)

Gene: NEK2 (NIMA related kinase 2; minus strand). Cytogenetic location: 1q32.3.
Variant type: single nucleotide variant.
Coding change: c.212A>G on transcript NM_002497.4 (MANE Select); coding-DNA position 212, A replaced by G.
Protein change: p.Tyr71Cys; replaces tyrosine 71 with cysteine.
Molecular consequence: missense variant.
Genome position (GRCh38, 1-based): chr1:211,674,398, T>C on the plus strand (A>G on the coding strand, the complement: NEK2 is on the minus strand). VCF-style: chr1-211674398-T-C. GRCh37 (hg19) VCF-style: chr1-211847740-T-C.
Other names: c.212A>G, p.Tyr71Cys (NM_001204182.2, NM_001204183.2); c.212A>G (NM_002497.3); short protein forms Y71C.
Identifiers: ClinVar variation 1945157 (VCV001945157.7), dbSNP rs375409578, ClinGen allele CA36825857.

ClinVar aggregate classification (germline): Uncertain significance. Review status: criteria provided, multiple submitters, no conflicts (2 of 4 stars). 2 submissions from 2 submitters: Uncertain significance (2). Last evaluated 2023-10-18.

Allele frequency attached by ClinVar (database versions not stated): gnomAD 0.00001; TOPMed 0.00003; gnomAD exomes 0.00005; ESP Exome Variant Server 0.00008.
gnomAD v4.1: 70 of 1,614,066 alleles (0.0043%); highest among the groups gnomAD compares: Non-Finnish European, 0.0058%; no homozygotes.

Submissions (2):

Labcorp Genetics (formerly Invitae), Labcorp
Classification: Uncertain significance. Last evaluated: 2023-10-18. Review status: criteria provided, single submitter. Criteria: Invitae Variant Classification Sherloc (09022015). Collection method: clinical testing. Allele origin: germline.
Comment: This sequence change replaces tyrosine, which is neutral and polar, with cysteine, which is neutral and slightly polar, at codon 71 of the NEK2 protein (p.Tyr71Cys). This variant is present in population databases (rs375409578, gnomAD 0.003%). This variant has not been reported in the literature in individuals affected with NEK2-related conditions. ClinVar contains an entry for this variant (Variation ID: 1945157). An algorithm developed to predict the effect of missense changes on protein structure and function (PolyPhen-2) suggests that this variant is likely to be disruptive. In summary, the available evidence is currently insufficient to determine the role of this variant in disease. Therefore, it has been classified as a Variant of Uncertain Significance.

Ambry Genetics
Classification: Uncertain significance. Last evaluated: 2023-05-15. Review status: criteria provided, single submitter. Criteria: Ambry Variant Classification Scheme 2023. Collection method: clinical testing. Allele origin: germline.